The following is an entry in ClinVar:

NM_030665.4(RAI1):c.2178del (p.Phe726fs)

Gene: RAI1 (retinoic acid induced 1; plus strand). Cytogenetic location: 17p11.2.
Variant type: Deletion.
Coding change: c.2178del on transcript NM_030665.4 (MANE Select); coding-DNA position 2178, one base deleted (T; older notation c.2178delT).
Protein change: p.Phe726fs; shifts the reading frame from phenylalanine 726.
Molecular consequence: frameshift variant.
Genome position (GRCh38, 1-based): chr17:17,795,126, T deleted; the last of 4 consecutive T bases (chr17:17,795,123-17,795,126); deleting any one gives the same sequence. VCF-style (leftmost placement, unchanged base first): chr17-17795122-CT-C. GRCh37 (hg19) VCF-style: chr17-17698436-CT-C.
Other names: short protein forms F726fs.
Identifiers: ClinVar variation 4891215 (VCV004891215.1).
Genomic context (GRCh38, chr17:17,795,122, plus strand): 5'-CTCTCTCCTTTGGTACCAAGCCCACCCTTGGGGTTCCTGCTCCAGACCCCACTACAGCAG[CT>C]TTTGACTGTTTCCCGGACACAACCGCTGCCAGCTCAGCGGACAGCGCCAACCCCTTTGCC-3'

ClinVar aggregate classification (germline): Pathogenic (1 of 4 stars; one submission).

Conditions:
Smith-Magenis syndrome (SMS). Also called: CHROMOSOME 17p11.2 DELETION SYNDROME. Identifiers: Orphanet 819, MedGen C0795864, MONDO:0008434, OMIM 182290.

Submission:

Greenwood Genetic Center Diagnostic Laboratories, Greenwood Genetic Center
Classification: Pathogenic for Smith-Magenis syndrome. Last evaluated: 2026-04-13. Review status: criteria provided, single submitter. Criteria: ACMG Guidelines, 2015. Collection method: clinical testing. Allele origin: germline. Affected: yes.
Comment: PVS1, PM2, PM6